The following is an entry in ClinVar:

NM_006415.4(SPTLC1):c.1422G>A (p.Ter474=)

Gene: SPTLC1 (serine palmitoyltransferase long chain base subunit 1; minus strand). Cytogenetic location: 9q22.31.
Variant type: single nucleotide variant.
Coding change: c.1422G>A on transcript NM_006415.4 (MANE Select); coding-DNA position 1422, G replaced by A.
Protein change: p.Ter474=.
Molecular consequence: synonymous variant. On other transcripts: missense variant (1).
Genome position (GRCh38, 1-based): chr9:92,032,465, C>T on the plus strand (G>A on the coding strand, the complement: SPTLC1 is on the minus strand). VCF-style: chr9-92032465-C-T. GRCh37 (hg19) VCF-style: chr9-94794747-C-T.
Other names: c.1390G>A, p.Gly464Ser (NM_001281303.2); c.1056G>A, p.Ter352= (NM_001368272.1); c.957G>A, p.Ter319= (NM_001368273.1); short protein forms G464S.
Identifiers: ClinVar variation 855200 (VCV000855200.8), dbSNP rs1832995665, ClinGen allele CA465989701.

ClinVar aggregate classification (germline): Uncertain significance (1 of 4 stars; one submission).

Conditions:
Hereditary sensory and autonomic neuropathy type 1 (HSAN1). Also called: HSAN 1; HSN Type I; Hereditary Sensory Neuropathy Type I. Identifiers: Orphanet 36386, MedGen C0020071, MONDO:0018213.

Submission:

Labcorp Genetics (formerly Invitae), Labcorp
Classification: Uncertain significance for Hereditary sensory and autonomic neuropathy type 1. Last evaluated: 2019-05-05. Review status: criteria provided, single submitter. Criteria: Invitae Variant Classification Sherloc (09022015). Collection method: clinical testing. Allele origin: germline.
Comment: In summary, the available evidence is currently insufficient to determine the role of this variant in disease. Therefore, it has been classified as a Variant of Uncertain Significance. Algorithms developed to predict the effect of sequence changes on RNA splicing suggest that this variant may create or strengthen a splice site, but this prediction has not been confirmed by published transcriptional studies. This variant has not been reported in the literature in individuals with SPTLC1-related conditions. This variant is not present in population databases (ExAC no frequency). This sequence change affects codon 474 of the SPTLC1 mRNA. It is a 'silent' change, meaning that it does not change the encoded amino acid sequence of the SPTLC1 protein.